The following is an entry in ClinVar:

NM_001130987.2(DYSF):c.1234delinsAGGAAATGTTA (p.His412delinsArgLysCysTer)

Gene: DYSF (dysferlin; plus strand). Cytogenetic location: 2p13.2.
Variant type: Indel.
Coding change: c.1234delinsAGGAAATGTTA on transcript NM_001130987.2 (MANE Select); coding-DNA position 1234, C replaced by AGGAAATGTTA.
Protein change: p.His412delinsArgLysCysTer.
Molecular consequence: nonsense.
Genome position (GRCh38, 1-based): chr2:71,526,304, C replaced by AGGAAATGTTA. VCF-style: chr2-71526304-C-AGGAAATGTTA. GRCh37 (hg19) VCF-style: chr2-71753434-C-AGGAAATGTTA.
Other names: c.1141delinsAGGAAATGTTA, p.His381delinsArgLysCysTer (NM_001130455.2, NM_001130983.2, NM_001130984.2 and 1 more transcripts); c.1138delinsAGGAAATGTTA, p.His380delinsArgLysCysTer (NM_001130976.2, NM_001130977.2, NM_001130978.2 and 1 more transcripts); c.1231delinsAGGAAATGTTA, p.His411delinsArgLysCysTer (NM_001130979.2, NM_001130980.2, NM_001130981.2); c.1234delinsAGGAAATGTTA, p.His412delinsArgLysCysTer (NM_001130982.2, NM_001130985.2).
Identifiers: ClinVar variation 1726995 (VCV001726995.3), dbSNP rs2545492351, ClinGen allele CA2580067894.

ClinVar aggregate classification (germline): Likely pathogenic (1 of 4 stars; one submission).

Conditions:
Autosomal recessive limb-girdle muscular dystrophy. Identifiers: Orphanet 102015, MedGen C2931907, MONDO:0015152.

Submission:

Myriad Genetics, Inc.
Classification: Likely pathogenic for Autosomal recessive limb-girdle muscular dystrophy. Last evaluated: 2022-01-08. Review status: criteria provided, single submitter. Criteria: Myriad Autosomal Dominant, Autosomal Recessive and X-Linked Classification Criteria (2023). Collection method: clinical testing. Allele origin: unknown.
Comment: NM_003494.3(DYSF):c.1138del1ins11(H380Rfs*4) is expected to be pathogenic in the context of dysferlinopathy. This variant is predicted to lead to an abnormal or absent protein product due to the creation of a premature termination codon in DYSF, a gene where loss-of-function variants are known to be pathogenic. Please note: this variant was assessed in the context of healthy population screening.